The following is an entry in ClinVar:

ClinVar aggregate classification (germline): Likely benign (1 of 4 stars; one submission).

Conditions:
MCHR1-related disorder. Also called: MCHR1-related condition.

gnomAD v4.1: 459 of 1,614,128 alleles (0.028%); highest among the groups gnomAD compares: Middle Eastern, 0.2%; no homozygotes.

Submission:

PreventionGenetics, part of Exact Sciences
Classification: Likely benign for MCHR1-related condition. Last evaluated: 2025-12-29. Review status: criteria provided, single submitter. Criteria: ACMG Guidelines, 2015. Collection method: clinical testing. Allele origin: germline.
Comment: This variant is classified as likely benign based on ACMG/AMP sequence variant interpretation guidelines (Richards et al. 2015 PMID: 25741868, with internal and published modifications).

NM_005297.4(MCHR1):c.66T>C (p.Asp22=)

Gene: MCHR1 (melanin concentrating hormone receptor 1; plus strand). Cytogenetic location: 22q13.2.
Variant type: single nucleotide variant.
Coding change: c.66T>C on transcript NM_005297.4 (MANE Select); coding-DNA position 66, T replaced by C.
Protein change: p.Asp22=; no amino-acid change (aspartic acid 22 retained).
Molecular consequence: synonymous variant.
Genome position (GRCh38, 1-based): chr22:40,679,718, T>C. VCF-style: chr22-40679718-T-C. GRCh37 (hg19) VCF-style: chr22-41075722-T-C.
Identifiers: ClinVar variation 4980831 (VCV004980831.1).